The following is an entry in ClinVar:

ClinVar aggregate classification (germline): Pathogenic/Likely pathogenic. Review status: criteria provided, multiple submitters, no conflicts (2 of 4 stars). 7 submissions from 7 submitters: Pathogenic (6); Likely pathogenic (1). Last evaluated 2025-04-09.

Conditions:
Autosomal recessive nonsyndromic hearing loss 8 (DFNB8). Also called: Deafness, autosomal recessive 10; NEUROSENSORY NONSYNDROMIC RECESSIVE DEAFNESS 8. Identifiers: Orphanet 90636, MedGen C1832827, MONDO:0010987, OMIM 601072.
Hearing impairment. Also called: Impaired Hearing. Identifiers: MedGen C1384666, MONDO:0005365, HP:0000365.
Rare genetic deafness. Identifiers: Orphanet 96210, MedGen C5680250.

Allele frequency attached by ClinVar (database versions not stated): gnomAD 0.00001; gnomAD exomes 0.00001 and 0.00004; TOPMed 0.00002; ExAC 0.00005.

Submissions (7):

GeneDx
Classification: Pathogenic. Last evaluated: 2025-04-09. Review status: criteria provided, single submitter. Criteria: GeneDx Variant Classification Process June 2021. Collection method: clinical testing. Allele origin: germline. Affected: yes.
Comment: Frameshift variant predicted to result in protein truncation or nonsense mediated decay in a gene for which loss of function is a known mechanism of disease; This variant is associated with the following publications: (PMID: 26408194, 28566687, 26036852, 30622556, 34868270)

Fulgent Genetics
Classification: Pathogenic for Autosomal recessive nonsyndromic hearing loss 8. Last evaluated: 2024-04-30. Review status: criteria provided, single submitter. Criteria: ACMG Guidelines, 2015. Collection method: clinical testing. Allele origin: germline.

CeGaT Center for Human Genetics Tuebingen
Classification: Pathogenic. Last evaluated: 2024-04-01. Review status: criteria provided, single submitter. Criteria: CeGaT Center For Human Genetics Tuebingen Variant Classification Criteria Version 2. Collection method: clinical testing. Allele origin: germline. Affected: yes. Observed: 1 variant allele.
Comment: TMPRSS3: PVS1, PM3:Strong, PM2

Labcorp Genetics (formerly Invitae), Labcorp
Classification: Pathogenic. Last evaluated: 2024-02-01. Review status: criteria provided, single submitter. Criteria: Invitae Variant Classification Sherloc (09022015). Collection method: clinical testing. Allele origin: germline.
Comment: This sequence change creates a premature translational stop signal (p.Cys194Metfs*17) in the TMPRSS3 gene. It is expected to result in an absent or disrupted protein product. Loss-of-function variants in TMPRSS3 are known to be pathogenic (PMID: 16021470, 26969326). This variant is present in population databases (rs397517376, gnomAD 0.008%). This premature translational stop signal has been observed in individual(s) with autosomal recessive non-syndromic hearing loss (PMID: 26036852, 28566687, 30622556). In at least one individual the data is consistent with being in trans (on the opposite chromosome) from a pathogenic variant. ClinVar contains an entry for this variant (Variation ID: 517148). For these reasons, this variant has been classified as Pathogenic.

Institute of Medical Genetics and Applied Genomics, University Hospital Tübingen
Classification: Pathogenic for Autosomal recessive nonsyndromic hearing loss 8. Last evaluated: 2023-12-08. Review status: criteria provided, single submitter. Criteria: ACMG Guidelines, 2015. Collection method: clinical testing. Allele origin: germline. Inheritance: Autosomal recessive inheritance. Affected: yes.

Department of Otolaryngology – Head & Neck Surgery, Cochlear Implant Center
Classification: Likely pathogenic for Hearing impairment. Last evaluated: 2021-04-12. Review status: criteria provided, single submitter. Criteria: ClinGen HL ACMG Specifications v1. Collection method: clinical testing. Allele origin: germline. Affected: yes.
Comment: PVS1_Strong, PM2_Moderate

Laboratory for Molecular Medicine, Mass General Brigham Personalized Medicine
Classification: Pathogenic for Rare genetic deafness. Last evaluated: 2020-06-02. Review status: criteria provided, single submitter. Criteria: LMM Criteria. Collection method: clinical testing. Allele origin: germline. Inheritance: Autosomal recessive inheritance. Observed: 2 variant alleles.
Comment: The p.Cys194MetfsX17 variant in TMPRSS3 has been reported in at least 6 individuals with hearing loss who were compound heterozygous for a second TMPRSS3 pathogenic variant (Battelino 2016 PMID 26036852, Lechowicz 2017 PMID 28566687, Lechowicz 2016 PMID 26408194, Morgan 2018 PMID 30622556). It has also been identified in 0.007% (9/113638) of European chromosomes by gnomAD, However, this frequency is low enough to be consistent with a recessive allele frequency. This variant is predicted to cause a frameshift, which alters the protein's amino acid sequence beginning at position 194 and leads to a premature termination codon 17 amino acids downstream. This alteration is then predicted to lead to a truncated or absent protein. Loss of function of the TMPRSS3 gene is an established disease mechanism in autosomal recessive hearing loss.In summary, this variant meets criteria to be classified as pathogenic for autosomal recessive hearing loss. ACMG/AMP Criteria applied: PVS1, PM2, PM3_VeryStrong.

Literature cited by the submitters: PubMed 16021470 (cited by Labcorp Genetics (formerly Invitae), Labcorp); PubMed 26969326 (cited by Labcorp Genetics (formerly Invitae), Labcorp); PubMed 26036852 (cited by Labcorp Genetics (formerly Invitae), Labcorp and Laboratory for Molecular Medicine, Mass General Brigham Personalized Medicine); PubMed 28566687 (cited by Labcorp Genetics (formerly Invitae), Labcorp and Laboratory for Molecular Medicine, Mass General Brigham Personalized Medicine); PubMed 30622556 (cited by Labcorp Genetics (formerly Invitae), Labcorp and Laboratory for Molecular Medicine, Mass General Brigham Personalized Medicine); PubMed 26408194 (cited by Laboratory for Molecular Medicine, Mass General Brigham Personalized Medicine).

NM_001256317.3(TMPRSS3):c.579dup (p.Cys194fs)

Gene: TMPRSS3 (transmembrane serine protease 3; minus strand). Cytogenetic location: 21q22.3.
Variant type: Duplication.
Coding change: c.579dup on transcript NM_001256317.3 (MANE Select); coding-DNA position 579, one base duplicated (A; older notation c.579dupA).
Protein change: p.Cys194fs; shifts the reading frame from cysteine 194.
Molecular consequence: frameshift variant.
Genome position (GRCh38, 1-based): chr21:42,384,007, T duplicated on the plus strand (A on the coding strand, the reverse complement: TMPRSS3 is on the minus strand). VCF-style (leftmost placement, unchanged base first): chr21-42384006-A-AT. GRCh37 (hg19) VCF-style: chr21-43804115-A-AT.
Other names: p.Cys194MetfsX17; c.579dup, p.Cys194fs (NM_024022.4, NM_032405.2); c.198dup, p.Cys67fs (NM_032404.3); c.579dupA (NM_024022.2); c.579dup (NM_024022.3); short protein forms C194fs, C67fs.
Identifiers: ClinVar variation 517148 (VCV000517148.39), dbSNP rs397517376, ClinGen allele CA261817.
Genomic context (GRCh38, chr21:42,384,006, plus strand): 5'-CCCCTGCCTTTCTGGAACTCTTACCTGTGCACTGCAAGGTAACCACGTGGCCAGAGGCAC[A>AT]TCCCTCCCTAAAGCGGAGAAAAAGTAGGCTCTGTGAAAAATGCCCCAGATCTGTGAAAGG-3'